The following is an entry in ClinVar:

NM_032447.5(FBN3):c.3071G>A (p.Arg1024Gln)

Gene: FBN3 (fibrillin 3; minus strand). Cytogenetic location: 19p13.2.
Variant type: single nucleotide variant.
Coding change: c.3071G>A on transcript NM_032447.5 (MANE Select); coding-DNA position 3071, G replaced by A.
Protein change: p.Arg1024Gln; replaces arginine 1024 with glutamine.
Molecular consequence: missense variant.
Genome position (GRCh38, 1-based): chr19:8,123,475, C>T on the plus strand (G>A on the coding strand, the complement: FBN3 is on the minus strand). VCF-style: chr19-8123475-C-T. GRCh37 (hg19) VCF-style: chr19-8188359-C-T.
Other names: c.3071G>A, p.Arg1024Gln (NM_001321431.2); short protein forms R1024Q.
Identifiers: ClinVar variation 3711640 (VCV003711640.2).

ClinVar aggregate classification (germline): Uncertain significance (1 of 4 stars; one submission).

gnomAD v4.1: 30 of 1,613,630 alleles (0.0019%); highest among the groups gnomAD compares: Middle Eastern, 0.049%; no homozygotes.

Submission:

Labcorp Genetics (formerly Invitae), Labcorp
Classification: Uncertain significance. Last evaluated: 2024-12-18. Review status: criteria provided, single submitter. Criteria: Invitae Variant Classification Sherloc (09022015). Collection method: clinical testing. Allele origin: germline.
Comment: This sequence change replaces arginine, which is basic and polar, with glutamine, which is neutral and polar, at codon 1024 of the FBN3 protein (p.Arg1024Gln). This variant is present in population databases (rs151226812, gnomAD 0.05%). This variant has not been reported in the literature in individuals affected with FBN3-related conditions. Invitae Evidence Modeling of protein sequence and biophysical properties (such as structural, functional, and spatial information, amino acid conservation, physicochemical variation, residue mobility, and thermodynamic stability) indicates that this missense variant is not expected to disrupt FBN3 protein function with a negative predictive value of 80%. In summary, the available evidence is currently insufficient to determine the role of this variant in disease. Therefore, it has been classified as a Variant of Uncertain Significance.